The following is an entry in ClinVar:

ClinVar aggregate classification (germline): Uncertain significance (1 of 4 stars; one submission).

Allele frequency attached by ClinVar (database versions not stated): TOPMed below 0.00001; ExAC 0.00001.
gnomAD v4.1: 13 of 1,613,788 alleles (0.00081%); highest among the groups gnomAD compares: Non-Finnish European, 0.0011%; no homozygotes.

Submission:

Labcorp Genetics (formerly Invitae), Labcorp
Classification: Uncertain significance. Last evaluated: 2022-07-05. Review status: criteria provided, single submitter. Criteria: Invitae Variant Classification Sherloc (09022015). Collection method: clinical testing. Allele origin: germline.
Comment: This sequence change replaces glycine, which is neutral and non-polar, with aspartic acid, which is acidic and polar, at codon 264 of the FTO protein (p.Gly264Asp). In summary, the available evidence is currently insufficient to determine the role of this variant in disease. Therefore, it has been classified as a Variant of Uncertain Significance. Algorithms developed to predict the effect of missense changes on protein structure and function are either unavailable or do not agree on the potential impact of this missense change (SIFT: "Tolerated"; PolyPhen-2: "Possibly Damaging"; Align-GVGD: "Class C0"). This variant has not been reported in the literature in individuals affected with FTO-related conditions. This variant is present in population databases (rs757723391, gnomAD 0.0009%).

NM_001080432.3(FTO):c.791G>A (p.Gly264Asp)

Gene: FTO (FTO alpha-ketoglutarate dependent dioxygenase; plus strand). Cytogenetic location: 16q12.2.
Variant type: single nucleotide variant.
Coding change: c.791G>A on transcript NM_001080432.3 (MANE Select); coding-DNA position 791, G replaced by A.
Protein change: p.Gly264Asp; replaces glycine 264 with aspartic acid.
Molecular consequence: missense variant. On other transcripts: non-coding transcript variant (1), intron variant (2).
Genome position (GRCh38, 1-based): chr16:53,844,194, G>A. VCF-style: chr16-53844194-G-A. GRCh37 (hg19) VCF-style: chr16-53878106-G-A.
Other names: c.791G>A, p.Gly264Asp (NM_001363900.2, NM_001363903.2, NM_001363988.2 and 5 more transcripts); c.278G>A, p.Gly93Asp (NM_001363905.2); c.781+17673G>A (NM_001363899.2); c.751+17703G>A (NM_001363901.2); c.821G>A, p.Gly274Asp (NM_001363891.2, NM_001363898.2); c.713G>A, p.Gly238Asp (NM_001363897.2); short protein forms G238D, G93D, G264D, G274D.
Identifiers: ClinVar variation 2087769 (VCV002087769.4), dbSNP rs757723391, ClinGen allele CA8058447.